The following is an entry in ClinVar:

ClinVar aggregate classification (germline): Uncertain significance (1 of 4 stars; one submission).

Conditions:
Pfeiffer syndrome (ACS5). Also called: ACS V. Identifiers: Orphanet 710, MedGen C0220658, MONDO:0007043, OMIM 101600.
Hypogonadotropic hypogonadism 2 with or without anosmia (HH2). Also called: FGFR1-Related GnRH Deficiency (Kallmann Syndrome 2); HYPOGONADOTROPIC HYPOGONADISM 2 WITH OR WITHOUT ANOSMIA, SUSCEPTIBILITY TO; HYPOGONADOTROPIC HYPOGONADISM 2 WITHOUT ANOSMIA, SUSCEPTIBILITY TO; HYPOGONADOTROPIC HYPOGONADISM 2 WITHOUT ANOSMIA. Identifiers: Orphanet 478, MedGen C1563720, MONDO:0007844, OMIM 147950. Disease mechanism: loss of function.

Submission:

Labcorp Genetics (formerly Invitae), Labcorp
Classification: Uncertain significance for Pfeiffer syndrome; Hypogonadotropic hypogonadism 2 with or without anosmia. Last evaluated: 2025-09-22. Review status: criteria provided, single submitter. Criteria: Invitae Variant Classification Sherloc (09022015). Collection method: clinical testing. Allele origin: germline.
Comment: This sequence change replaces arginine, which is basic and polar, with leucine, which is neutral and non-polar, at codon 477 of the FGFR1 protein (p.Arg477Leu). Information on the frequency of this variant in the gnomAD database is not available, as this variant may be reported differently in the database. This missense change has been observed in individual(s) with hypogonadotropic hypogonadism (internal data). An algorithm developed to predict the effect of missense changes on protein structure and function (PolyPhen-2) suggests that this variant is likely to be tolerated. This variant disrupts the p.Arg477 amino acid residue in FGFR1. Other variant(s) that disrupt this residue have been observed in individuals with FGFR1-related conditions (PMID: 33983622), which suggests that this may be a clinically significant amino acid residue. In summary, the available evidence is currently insufficient to determine the role of this variant in disease. Therefore, it has been classified as a Variant of Uncertain Significance.

Literature cited by the submitters: PubMed 33983622.

NM_023110.3(FGFR1):c.1429_1430inv (p.Arg477Leu)

Gene: FGFR1 (fibroblast growth factor receptor 1; minus strand). Cytogenetic location: 8p11.23.
Variant type: Inversion.
Coding change: c.1429_1430inv on transcript NM_023110.3 (MANE Select).
Protein change: p.Arg477Leu; replaces arginine 477 with leucine.
Molecular consequence: missense variant.
Genome position: GRCh38 VCF-style: chr8-38418228-CT-AG. GRCh37 (hg19) VCF-style: chr8-38275746-CT-AG.
Other names: c.1423_1424inv, p.Arg475Leu (NM_001174063.2, NM_001174065.2, NM_001354367.2 and 1 more transcripts); c.1399_1400inv, p.Arg467Leu (NM_001174064.2); c.1162_1163inv, p.Arg388Leu (NM_001174066.2, NM_023105.3); c.1522_1523inv, p.Arg508Leu (NM_001174067.2); c.1150_1151inv, p.Arg384Leu (NM_001354368.2); c.1417_1418inv, p.Arg473Leu (NM_001354369.2, NM_001410922.1); c.1156_1157inv, p.Arg386Leu (NM_001354370.2, NM_023106.3); short protein forms R475L, R508L, R388L, R467L, R384L, R386L, R473L, R477L.
Identifiers: ClinVar variation 4786201 (VCV004786201.1).